The following is an entry in ClinVar:

NM_004484.4(GPC3):c.851G>C (p.Gly284Ala)

Gene: GPC3 (glypican 3; minus strand). Cytogenetic location: Xq26.2.
Variant type: single nucleotide variant.
Coding change: c.851G>C on transcript NM_004484.4 (MANE Select); coding-DNA position 851, G replaced by C.
Protein change: p.Gly284Ala; replaces glycine 284 with alanine.
Molecular consequence: missense variant.
Genome position (GRCh38, 1-based): chrX:133,753,663, C>G on the plus strand (G>C on the coding strand, the complement: GPC3 is on the minus strand). VCF-style: chrX-133753663-C-G. GRCh37 (hg19) VCF-style: chrX-132887690-C-G.
Other names: c.851G>C, p.Gly284Ala (NM_001164617.2); c.803G>C, p.Gly268Ala (NM_001164618.2); c.689G>C, p.Gly230Ala (NM_001164619.2); short protein forms G268A, G284A, G230A.
Identifiers: ClinVar variation 947008 (VCV000947008.10), dbSNP rs2071692187, ClinGen allele CA414705547.
Genomic context (GRCh38, chrX:133,753,663, plus strand): 5'-TCAAGGGACAGAATGTATTCTCTCCAGTACTTGTCAATCTCCACCACACCTGCCATACAG[C>G]CTTGCATGACCACATTGCAGTAACCGCCACAGGGTTTAACCATCATCAGTCCCTGGCAGT-3'
Protein context (NP_004475.1, residues 274-294): CGGYCNVVMQ[Gly284Ala]CMAGVVEIDK

ClinVar aggregate classification (germline): Uncertain significance (1 of 4 stars; one submission).

Conditions:
Wilms tumor 1 (WT1). Also called: Wilms tumor, somatic. Identifiers: Orphanet 654, MedGen CN033288, MONDO:0008679, OMIM 194070.

Allele frequency attached by ClinVar (database versions not stated): gnomAD exomes below 0.00001.
gnomAD v4.1: 3 of 1,211,472 alleles (0.00025%); highest among the groups gnomAD compares: Non-Finnish European, 0.00011%; no homozygotes.

Submission:

Labcorp Genetics (formerly Invitae), Labcorp
Classification: Uncertain significance for Wilms tumor 1. Last evaluated: 2020-02-28. Review status: criteria provided, single submitter. Criteria: Invitae Variant Classification Sherloc (09022015). Collection method: clinical testing. Allele origin: germline.
Comment: This sequence change replaces glycine with alanine at codon 284 of the GPC3 protein (p.Gly284Ala). The glycine residue is highly conserved and there is a small physicochemical difference between glycine and alanine. This variant is not present in population databases (ExAC no frequency). This variant has not been reported in the literature in individuals with GPC3-related conditions. Algorithms developed to predict the effect of missense changes on protein structure and function are either unavailable or do not agree on the potential impact of this missense change (SIFT: "Tolerated"; PolyPhen-2: "Possibly Damaging"; Align-GVGD: "Class C0"). In summary, the available evidence is currently insufficient to determine the role of this variant in disease. Therefore, it has been classified as a Variant of Uncertain Significance.